The following is an entry in ClinVar:

ClinVar aggregate classification (germline): Pathogenic (1 of 4 stars; one submission).

Conditions:
CYP21A2-related disorder. Also called: CYP21A2-related condition.

Submission:

PreventionGenetics, part of Exact Sciences
Classification: Pathogenic for CYP21A2-related condition. Last evaluated: 2025-04-02. Review status: criteria provided, single submitter. Criteria: ACMG Guidelines, 2015. Collection method: clinical testing. Allele origin: germline.
Comment: The CYP21A2 c.452dupT variant is predicted to result in a frameshift and premature protein termination (p.Met151Ilefs*12). To our knowledge, this variant has not been reported in the literature or in a large population database (gnomAD), indicating this variant is rare. Frameshift variants in CYP21A2 are expected to be pathogenic. This variant is interpreted as pathogenic.

NM_000500.9(CYP21A2):c.452dup (p.Met151fs)

Genes: CYP21A2 (cytochrome P450 family 21 subfamily A member 2; plus strand), LOC106780800 (CYP21A2 recombination region; plus strand). Cytogenetic location: 6p21.33.
Variant type: Duplication.
Coding change: c.452dup on transcript NM_000500.9 (MANE Select); coding-DNA position 452, one base duplicated (T; older notation c.452dupT).
Protein change: p.Met151fs; shifts the reading frame from methionine 151.
Molecular consequence: frameshift variant.
Genome position (GRCh38, 1-based): chr6:32,039,360, T duplicated. VCF-style (leftmost placement, unchanged base first): chr6-32039359-A-AT. GRCh37 (hg19) VCF-style: chr6-32007136-A-AT.
Other names: c.362dup, p.Met121fs (NM_001128590.4); c.47dup, p.Met16fs (NM_001368143.2, NM_001368144.2); short protein forms M151fs, M16fs, M121fs.
Identifiers: ClinVar variation 4977277 (VCV004977277.1).